The following is an entry in ClinVar:

NM_001003841.3(SLC6A19):c.1845C>A (p.Asp615Glu)

Gene: SLC6A19 (solute carrier family 6 member 19; plus strand). Cytogenetic location: 5p15.33.
Variant type: single nucleotide variant.
Coding change: c.1845C>A on transcript NM_001003841.3 (MANE Select); coding-DNA position 1845, C replaced by A.
Protein change: p.Asp615Glu; replaces aspartic acid 615 with glutamic acid.
Molecular consequence: missense variant.
Genome position (GRCh38, 1-based): chr5:1,221,844, C>A. VCF-style: chr5-1221844-C-A. GRCh37 (hg19) VCF-style: chr5-1221959-C-A.
Other names: short protein forms D615E.
Identifiers: ClinVar variation 1934109 (VCV001934109.5), dbSNP rs906863909, ClinGen allele CA112949066.

ClinVar aggregate classification (germline): Uncertain significance (1 of 4 stars; one submission).

gnomAD v4.1: 7 of 1,614,050 alleles (0.00043%); highest among the groups gnomAD compares: Non-Finnish European, 0.00059%; no homozygotes.

Submission:

Labcorp Genetics (formerly Invitae), Labcorp
Classification: Uncertain significance. Last evaluated: 2021-12-22. Review status: criteria provided, single submitter. Criteria: Invitae Variant Classification Sherloc (09022015). Collection method: clinical testing. Allele origin: germline.
Comment: In summary, the available evidence is currently insufficient to determine the role of this variant in disease. Therefore, it has been classified as a Variant of Uncertain Significance. Advanced modeling of protein sequence and biophysical properties (such as structural, functional, and spatial information, amino acid conservation, physicochemical variation, residue mobility, and thermodynamic stability) performed at Invitae indicates that this missense variant is not expected to disrupt SLC6A19 protein function. This variant has not been reported in the literature in individuals affected with SLC6A19-related conditions. This variant is present in population databases (no rsID available, gnomAD 0.0009%). This sequence change replaces aspartic acid, which is acidic and polar, with glutamic acid, which is acidic and polar, at codon 615 of the SLC6A19 protein (p.Asp615Glu).